The following is an entry in ClinVar:

NM_022124.6(CDH23):c.6493G>A (p.Asp2165Asn)

Gene: CDH23 (cadherin related 23; plus strand). Cytogenetic location: 10q22.1.
Variant type: single nucleotide variant.
Coding change: c.6493G>A on transcript NM_022124.6 (MANE Select); coding-DNA position 6493, G replaced by A.
Protein change: p.Asp2165Asn; replaces aspartic acid 2165 with asparagine.
Molecular consequence: missense variant.
Genome position (GRCh38, 1-based): chr10:71,793,421, G>A. VCF-style: chr10-71793421-G-A. GRCh37 (hg19) VCF-style: chr10-73553178-G-A.
Other names: c.6493G>A (NM_022124.5); short protein forms D2165N.
Identifiers: ClinVar variation 2174140 (VCV002174140.5), dbSNP rs747445020, ClinGen allele CA5546094.

ClinVar aggregate classification (germline): Uncertain significance. Review status: criteria provided, multiple submitters, no conflicts (2 of 4 stars). 2 submissions from 2 submitters: Uncertain significance (2). Last evaluated 2025-08-04.

Allele frequency attached by ClinVar (database versions not stated): gnomAD 0.00001; ExAC 0.00004.
gnomAD v4.1: 33 of 1,613,862 alleles (0.002%); highest among the groups gnomAD compares: Non-Finnish European, 0.0025%; no homozygotes.

Submissions (2):

Labcorp Genetics (formerly Invitae), Labcorp
Classification: Uncertain significance. Last evaluated: 2025-08-04. Review status: criteria provided, single submitter. Criteria: Invitae Variant Classification Sherloc (09022015). Collection method: clinical testing. Allele origin: germline.
Comment: This sequence change replaces aspartic acid, which is acidic and polar, with asparagine, which is neutral and polar, at codon 2165 of the CDH23 protein (p.Asp2165Asn). This variant is present in population databases (rs747445020, gnomAD 0.01%). This variant has not been reported in the literature in individuals affected with CDH23-related conditions. ClinVar contains an entry for this variant (Variation ID: 2174140). An algorithm developed to predict the effect of missense changes on protein structure and function outputs the following: PolyPhen-2: "Not Available". The asparagine amino acid residue is found in multiple mammalian species, which suggests that this missense change does not adversely affect protein function. In summary, the available evidence is currently insufficient to determine the role of this variant in disease. Therefore, it has been classified as a Variant of Uncertain Significance.

GeneDx
Classification: Uncertain significance. Last evaluated: 2025-06-09. Review status: criteria provided, single submitter. Criteria: GeneDx Variant Classification Process June 2021. Collection method: clinical testing. Allele origin: germline. Affected: yes.
Comment: Not observed at significant frequency in large population cohorts (gnomAD); In silico analysis supports that this missense variant has a deleterious effect on protein structure/function; Has not been previously published as pathogenic or benign to our knowledge